The following is an entry in ClinVar:

ClinVar aggregate classification (germline): Uncertain significance (1 of 4 stars; one submission).

Submission:

Labcorp Genetics (formerly Invitae), Labcorp
Classification: Uncertain significance. Last evaluated: 2025-11-12. Review status: criteria provided, single submitter. Criteria: Invitae Variant Classification Sherloc (09022015). Collection method: clinical testing. Allele origin: germline.
Comment: This sequence change replaces methionine, which is neutral and non-polar, with threonine, which is neutral and polar, at codon 951 of the SIN3A protein (p.Met951Thr). This variant is not present in population databases (gnomAD no frequency). This variant has not been reported in the literature in individuals affected with SIN3A-related conditions. An algorithm developed to predict the effect of missense changes on protein structure and function (PolyPhen-2) suggests that this variant is likely to be tolerated. In summary, the available evidence is currently insufficient to determine the role of this variant in disease. Therefore, it has been classified as a Variant of Uncertain Significance.

NM_001145358.2(SIN3A):c.2852T>C (p.Met951Thr)

Gene: SIN3A (SIN3 transcription regulator family member A; minus strand). Cytogenetic location: 15q24.2.
Variant type: single nucleotide variant.
Coding change: c.2852T>C on transcript NM_001145358.2 (MANE Select); coding-DNA position 2852, T replaced by C.
Protein change: p.Met951Thr; replaces methionine 951 with threonine.
Molecular consequence: missense variant.
Genome position (GRCh38, 1-based): chr15:75,389,821, A>G on the plus strand (T>C on the coding strand, the complement: SIN3A is on the minus strand). VCF-style: chr15-75389821-A-G. GRCh37 (hg19) VCF-style: chr15-75682162-A-G.
Other names: c.2852T>C, p.Met951Thr (NM_001145357.2, NM_001437462.1, NM_001437463.1 and 1 more transcripts); short protein forms M951T.
Identifiers: ClinVar variation 4730416 (VCV004730416.1).